The following is an entry in ClinVar:

NM_015374.3(SUN2):c.1579C>G (p.Gln527Glu)

Genes: GTPBP1 (GTP binding protein 1; plus strand), SUN2 (Sad1 and UNC84 domain containing 2; minus strand). Cytogenetic location: 22q13.1.
Variant type: single nucleotide variant.
Coding change: c.1579C>G on transcript NM_015374.3 (MANE Select); coding-DNA position 1579, C replaced by G.
Protein change: p.Gln527Glu; replaces glutamine 527 with glutamic acid.
Molecular consequence: missense variant. On other transcripts: intron variant (2).
Genome position (GRCh38, 1-based): chr22:38,739,426, G>C on the plus strand (C>G on the coding strand, the complement: SUN2 is on the minus strand). VCF-style: chr22-38739426-G-C. GRCh37 (hg19) VCF-style: chr22-39135431-G-C.
Other names: c.1441C>G, p.Gln481Glu (NM_001394440.1, NM_001394441.1, NM_001394439.1); c.1180C>G, p.Gln394Glu (NM_001394442.1); c.1087C>G, p.Gln363Glu (NM_001394443.1); c.1003C>G, p.Gln335Glu (NM_001394444.1, NM_001394445.1); c.1579-3C>G (NM_001394437.1, NM_001394436.1); c.1642C>G, p.Gln548Glu (NM_001199579.2, NM_001394428.1); c.1579C>G, p.Gln527Glu (NM_001199580.2, NM_001394431.1, NM_001394432.1 and 3 more transcripts); c.1672C>G, p.Gln558Glu (NM_001394427.1); and 2 more; short protein forms Q335E, Q394E, Q527E, Q363E, Q497E, Q542E, Q548E, Q481E.
Identifiers: ClinVar variation 2824589 (VCV002824589.3), dbSNP rs2517972426, ClinGen allele CA411584000.
Genomic context (GRCh38, chr22:38,739,426, plus strand): 5'-CCAGCCCGATGCGGTCCTCACTGTAGCGCTGCAGGGCCTGCTTCACGATGTGGTGCACCT[G>C]CTGCAATGCAGGCACCAGGAGACGGTTGCAGCAGGGAGCAGACGTGTCCCCCTGTCACCT-3'
Protein context (NP_056189.1, residues 517-537): KEGVIGVTEE[Gln527Glu]VHHIVKQALQ

ClinVar aggregate classification (germline): Uncertain significance (1 of 4 stars; one submission).

Conditions:
Emery-Dreifuss muscular dystrophy (EDMD). Also called: Scapuloperoneal syndrome, X-linked (formerly); Humeroperoneal neuromuscular disease, (formerly). Identifiers: Orphanet 261, MedGen C0410189, MONDO:0016830.

Submission:

Labcorp Genetics (formerly Invitae), Labcorp
Classification: Uncertain significance for Emery-Dreifuss muscular dystrophy. Last evaluated: 2024-05-15. Review status: criteria provided, single submitter. Criteria: Invitae Variant Classification Sherloc (09022015). Collection method: clinical testing. Allele origin: germline.
Comment: This sequence change replaces glutamine, which is neutral and polar, with glutamic acid, which is acidic and polar, at codon 527 of the SUN2 protein (p.Gln527Glu). This variant is not present in population databases (gnomAD no frequency). This variant has not been reported in the literature in individuals affected with SUN2-related conditions. Algorithms developed to predict the effect of missense changes on protein structure and function output the following: SIFT: "Not Available"; PolyPhen-2: "Benign"; Align-GVGD: "Not Available". The glutamic acid amino acid residue is found in multiple mammalian species, which suggests that this missense change does not adversely affect protein function. In summary, the available evidence is currently insufficient to determine the role of this variant in disease. Therefore, it has been classified as a Variant of Uncertain Significance.